The following is an entry in ClinVar:

NM_001369.3(DNAH5):c.4596G>A (p.Glu1532=)

Genes: DNAH5 (dynein axonemal heavy chain 5; minus strand), DNAH5-AS1 (DNAH5 antisense RNA 1; plus strand). Cytogenetic location: 5p15.2.
Variant type: single nucleotide variant.
Coding change: c.4596G>A on transcript NM_001369.3 (MANE Select); coding-DNA position 4596, G replaced by A.
Protein change: p.Glu1532=; no amino-acid change (glutamic acid 1532 retained).
Molecular consequence: synonymous variant.
Genome position (GRCh38, 1-based): chr5:13,864,397, C>T on the plus strand (G>A on the coding strand, the complement: DNAH5 is on the minus strand). VCF-style: chr5-13864397-C-T. GRCh37 (hg19) VCF-style: chr5-13864506-C-T.
Identifiers: ClinVar variation 2630742 (VCV002630742.1), dbSNP rs2546978232, ClinGen allele CA443534884.
Genomic context (GRCh38, chr5:13,864,397, plus strand): 5'-AGAAATGTTATCAAATAAATCCCATGAGACCTTGCAATCTTCCATCACATCATACTCTAC[C>T]TCTATTTCCTCTTTATATTTCAGAAGAGGTGCCTCCATGATATTTCTTAACTTAAAGCTT-3'
Protein context (NP_001360.1, residues 1522-1542): APLLKYKEEI[Glu1532=]DICISAVKER

ClinVar aggregate classification (germline): Uncertain significance (1 of 4 stars; one submission).

Conditions:
DNAH5-related disorder. Also called: DNAH5-related condition.

Submission:

PreventionGenetics, part of Exact Sciences
Classification: Uncertain significance for DNAH5-related condition. Last evaluated: 2023-09-05. Review status: criteria provided, single submitter. Criteria: ACMG Guidelines, 2015. Collection method: clinical testing. Allele origin: germline.
Comment: The DNAH5 c.4596G>A variant is not predicted to result in an amino acid change (p.=). However, this variant is predicted to decrease the strength of the neighboring splice donor and may disrupt splicing (SpliceAI, Jaganathan K, et al. 2019. PubMed ID: 30661751). To our knowledge, this variant has not been reported in the literature or in a large population database, indicating this variant is rare. At this time, the clinical significance of this variant is uncertain due to the absence of conclusive functional and genetic evidence.